The following is an entry in ClinVar:

NM_152468.5(TMC8):c.320G>A (p.Arg107Gln)

Genes: TMC6 (transmembrane channel like 6; minus strand), TMC8 (transmembrane channel like 8; plus strand), LOC130061793 (ATAC-STARR-seq lymphoblastoid silent region 9044; plus strand). Cytogenetic location: 17q25.3.
Variant type: single nucleotide variant.
Coding change: c.320G>A on transcript NM_152468.5 (MANE Select); coding-DNA position 320, G replaced by A.
Protein change: p.Arg107Gln; replaces arginine 107 with glutamine.
Molecular consequence: missense variant. On other transcripts: 5 prime UTR variant (1).
Genome position (GRCh38, 1-based): chr17:78,132,380, G>A. VCF-style: chr17-78132380-G-A. GRCh37 (hg19) VCF-style: chr17-76128461-G-A.
Other names: c.-114C>T (NM_007267.7); short protein forms R107Q.
Identifiers: ClinVar variation 1414580 (VCV001414580.6), dbSNP rs759253214, ClinGen allele CA294359694.

ClinVar aggregate classification (germline): Uncertain significance (1 of 4 stars; one submission).

Conditions:
Epidermodysplasia verruciformis. Identifiers: Orphanet 302, MedGen C0014522, MONDO:0009176.

gnomAD v4.1: 6 of 1,613,054 alleles (0.00037%); highest among the groups gnomAD compares: Non-Finnish European, 0.00025%; no homozygotes.

Submission:

Labcorp Genetics (formerly Invitae), Labcorp
Classification: Uncertain significance for Epidermodysplasia verruciformis. Last evaluated: 2021-09-01. Review status: criteria provided, single submitter. Criteria: Invitae Variant Classification Sherloc (09022015). Collection method: clinical testing. Allele origin: germline.
Comment: This sequence change replaces arginine with glutamine at codon 107 of the TMC8 protein (p.Arg107Gln). The arginine residue is weakly conserved and there is a small physicochemical difference between arginine and glutamine. This variant is not present in population databases (ExAC no frequency). This variant has not been reported in the literature in individuals affected with TMC8-related conditions. Algorithms developed to predict the effect of missense changes on protein structure and function output the following: SIFT: "Tolerated"; PolyPhen-2: "Benign"; Align-GVGD: "Class C0". The glutamine amino acid residue is found in multiple mammalian species, which suggests that this missense change does not adversely affect protein function. In summary, the available evidence is currently insufficient to determine the role of this variant in disease. Therefore, it has been classified as a Variant of Uncertain Significance.